The following is an entry in ClinVar:

ClinVar aggregate classification (germline): Uncertain significance (1 of 4 stars; one submission).

Conditions:
TET3-related disorder. Also called: TET3-Related Disease; TET3-related condition.

Submission:

PreventionGenetics, part of Exact Sciences
Classification: Uncertain significance for TET3-related condition. Last evaluated: 2025-09-26. Review status: criteria provided, single submitter. Criteria: ACMG Guidelines, 2015. Collection method: clinical testing. Allele origin: germline.
Comment: The TET3 c.1538C>A variant is predicted to result in the amino acid substitution p.Thr513Lys. To our knowledge, this variant has not been reported in the literature or in a large population database (gnomAD), indicating this variant is rare. At this time, the clinical significance of this variant is uncertain due to the absence of conclusive functional and genetic evidence.

NM_001287491.2(TET3):c.1538C>A (p.Thr513Lys)

Gene: TET3 (tet methylcytosine dioxygenase 3; plus strand). Cytogenetic location: 2p13.1.
Variant type: single nucleotide variant.
Coding change: c.1538C>A on transcript NM_001287491.2 (MANE Select); coding-DNA position 1538, C replaced by A.
Protein change: p.Thr513Lys; replaces threonine 513 with lysine.
Molecular consequence: missense variant.
Genome position (GRCh38, 1-based): chr2:74,047,455, C>A. VCF-style: chr2-74047455-C-A. GRCh37 (hg19) VCF-style: chr2-74274582-C-A.
Other names: c.1259C>A, p.Thr420Lys (NM_001366022.1); short protein forms T420K, T513K.
Identifiers: ClinVar variation 4986610 (VCV004986610.1).